The following is an entry in ClinVar:

NM_004104.5(FASN):c.7244A>T (p.Glu2415Val)

Genes: FASN (fatty acid synthase; minus strand), LOC129390948 (MPRA-validated peak3028 silencer; plus strand). Cytogenetic location: 17q25.3.
Variant type: single nucleotide variant.
Coding change: c.7244A>T on transcript NM_004104.5 (MANE Select); coding-DNA position 7244, A replaced by T.
Protein change: p.Glu2415Val; replaces glutamic acid 2415 with valine.
Molecular consequence: missense variant.
Genome position (GRCh38, 1-based): chr17:82,079,511, T>A on the plus strand (A>T on the coding strand, the complement: FASN is on the minus strand). VCF-style: chr17-82079511-T-A. GRCh37 (hg19) VCF-style: chr17-80037387-T-A.
Other names: c.7244A>T (NM_004104.4); short protein forms E2415V.
Identifiers: ClinVar variation 2754726 (VCV002754726.4), dbSNP rs2033950048, ClinGen allele CA401595790.

ClinVar aggregate classification (germline): Uncertain significance. Review status: criteria provided, multiple submitters, no conflicts (2 of 4 stars). 2 submissions from 2 submitters: Uncertain significance (2). Last evaluated 2025-08-21.

Conditions:
Epileptic encephalopathy. Identifiers: MedGen C0543888, HP:0200134.

Allele frequency attached by ClinVar (database versions not stated): TOPMed 0.00001.

Submissions (2):

Ambry Genetics
Classification: Uncertain significance. Last evaluated: 2025-08-21. Review status: criteria provided, single submitter. Criteria: Ambry Variant Classification Scheme 2023. Collection method: clinical testing. Allele origin: germline.

Labcorp Genetics (formerly Invitae), Labcorp
Classification: Uncertain significance for Epileptic encephalopathy. Last evaluated: 2024-11-18. Review status: criteria provided, single submitter. Criteria: Invitae Variant Classification Sherloc (09022015). Collection method: clinical testing. Allele origin: germline.
Comment: This sequence change replaces glutamic acid, which is acidic and polar, with valine, which is neutral and non-polar, at codon 2415 of the FASN protein (p.Glu2415Val). This variant is not present in population databases (gnomAD no frequency). This variant has not been reported in the literature in individuals affected with FASN-related conditions. ClinVar contains an entry for this variant (Variation ID: 2754726). An algorithm developed to predict the effect of missense changes on protein structure and function (PolyPhen-2) suggests that this variant is likely to be tolerated. In summary, the available evidence is currently insufficient to determine the role of this variant in disease. Therefore, it has been classified as a Variant of Uncertain Significance.